The following is an entry in ClinVar:

ClinVar aggregate classification (germline): Uncertain significance (1 of 4 stars; one submission).

Conditions:
Agammaglobulinemia 2, autosomal recessive (AGM2). Also called: AGAMMAGLOBULINEMIA, AUTOSOMAL RECESSIVE, DUE TO IGLL1 DEFECT. Identifiers: MedGen C3150750, MONDO:0013287, OMIM 613500.

Submission:

Labcorp Genetics (formerly Invitae), Labcorp
Classification: Uncertain significance for Agammaglobulinemia 2, autosomal recessive. Last evaluated: 2024-11-11. Review status: criteria provided, single submitter. Criteria: Invitae Variant Classification Sherloc (09022015). Collection method: clinical testing. Allele origin: germline.
Comment: This sequence change replaces serine, which is neutral and polar, with glycine, which is neutral and non-polar, at codon 65 of the IGLL1 protein (p.Ser65Gly). This variant is not present in population databases (gnomAD no frequency). This variant has not been reported in the literature in individuals affected with IGLL1-related conditions. An algorithm developed to predict the effect of missense changes on protein structure and function (PolyPhen-2) suggests that this variant is likely to be tolerated. Algorithms developed to predict the effect of sequence changes on RNA splicing suggest that this variant may disrupt the consensus splice site. In summary, the available evidence is currently insufficient to determine the role of this variant in disease. Therefore, it has been classified as a Variant of Uncertain Significance.

NM_020070.4(IGLL1):c.193A>G (p.Ser65Gly)

Gene: IGLL1 (immunoglobulin lambda like polypeptide 1; minus strand). Cytogenetic location: 22q11.23.
Variant type: single nucleotide variant.
Coding change: c.193A>G on transcript NM_020070.4 (MANE Select); coding-DNA position 193, A replaced by G.
Protein change: p.Ser65Gly; replaces serine 65 with glycine.
Molecular consequence: missense variant.
Genome position (GRCh38, 1-based): chr22:23,579,998, T>C on the plus strand (A>G on the coding strand, the complement: IGLL1 is on the minus strand). VCF-style: chr22-23579998-T-C. GRCh37 (hg19) VCF-style: chr22-23922185-T-C.
Other names: c.193A>G, p.Ser65Gly (NM_001369906.1, NM_152855.3); short protein forms S65G.
Identifiers: ClinVar variation 3626428 (VCV003626428.2).